The following is an entry in ClinVar:

NM_004004.6(GJB2):c.-23+1G>A

Gene: GJB2 (gap junction protein beta 2; minus strand). Cytogenetic location: 13q12.11.
Variant type: single nucleotide variant.
Coding change: c.-23+1G>A on transcript NM_004004.6 (MANE Select); the canonical splice donor site of the intron after 23 bases upstream of the start codon, G replaced by A.
Molecular consequence: splice donor variant.
Genome position (GRCh38, 1-based): chr13:20,192,782, C>T on the plus strand (G>A on the coding strand, the complement: GJB2 is on the minus strand). VCF-style: chr13-20192782-C-T. GRCh37 (hg19) VCF-style: chr13-20766921-C-T.
Other names: IVS1+1G>A; IVS1DS, G-A, +1.
Identifiers: ClinVar variation 17029 (VCV000017029.128), dbSNP rs80338940, ClinGen allele CA172205.

ClinVar aggregate classification (germline): Pathogenic/Likely pathogenic. Review status: criteria provided, multiple submitters, no conflicts (2 of 4 stars). 49 submissions from 48 submitters: Pathogenic (40); Likely pathogenic (1). 8 of the submissions do not count toward it. Last evaluated 2026-08-06.

Conditions:
GJB2-related disorder. Also called: GJB2-related condition; GJB2-related disorders. Identifiers: MedGen CN382183, MONDO:1060236.
Rare genetic deafness. Identifiers: Orphanet 96210, MedGen C5680250.
Monogenic hearing loss.
Palmoplantar keratoderma-deafness syndrome. Also called: Keratoderma palmoplantar, with deafness; Palmoplantar keratoderma and sensorineural deafness; Hereditary palmoplantar keratoderma with deafness (subtype); Focal palmoplantar keratoderma with sensorineural deafness (subtype); Diffuse palmoplantar keratoderma with deafness (subtype). Identifiers: Orphanet 2202, MedGen C1835672, MONDO:0007852, OMIM 148350.
Knuckle pads, deafness AND leukonychia syndrome. Also called: Bart-Pumphrey syndrome. Identifiers: Orphanet 2698, MedGen C0266004, MONDO:0007866, OMIM 149200.
Mutilating keratoderma (VOWNKL). Also called: Keratoderma hereditarium mutilans. Identifiers: Orphanet 494, MedGen C0265964, MONDO:0007422, OMIM 124500.
Hearing loss. Identifiers: MedGen C3887873.
Autosomal recessive nonsyndromic hearing loss 104. Also called: Deafness, autosomal recessive 104. Identifiers: Orphanet 90636, MedGen C4225298, MONDO:0014675, OMIM 616515.
Autosomal recessive nonsyndromic hearing loss 1A (DFNB1A). Also called: Deafness, autosomal recessive 1A; GJB2-Related Autosomal Recessive Nonsyndromic Hearing Loss; Connexin 26 deafness; Deafness nonsyndromic, Connexin 26 linked; Nonsyndromic Hearing Loss and Deafness, DFNB1; GJB6-Related DFNB 1 Nonsyndromic Hearing Loss and Deafness. Identifiers: Orphanet 90636, MedGen C2673759, MONDO:0009076, OMIM 220290.
Autosomal dominant keratitis-ichthyosis-hearing loss syndrome. Also called: HID SYNDROME; KID SYNDROME, AUTOSOMAL DOMINANT; Senter syndrome. Identifiers: Orphanet 477, MedGen C0265336, MONDO:0007850, OMIM 148210.
Autosomal dominant nonsyndromic hearing loss 3A. Identifiers: Orphanet 90635, MedGen C2675750, MONDO:0011103, OMIM 601544.
Ichthyosis, hystrix-like, with hearing loss. Also called: Hystrix-like ichthyosis with deafness. Identifiers: Orphanet 477, MedGen C1865234, MONDO:0011245.
Hereditary palmoplantar keratoderma. Identifiers: Orphanet 79357, MedGen C0406757, MONDO:0019272.
Nonsyndromic genetic hearing loss. Also called: Nonsyndromic hearing loss and deafness; Non-syndromic genetic deafness; Nonsyndromic genetic deafness. Identifiers: Orphanet 87884, MedGen C5680182, MONDO:0019497.
Autosomal recessive nonsyndromic hearing loss 1B. Also called: DEAFNESS, AUTOSOMAL RECESSIVE 1B. Identifiers: Orphanet 90636, MedGen C2675235, MONDO:0012977, OMIM 612645.
Hearing loss, autosomal recessive. Also called: Rare autosomal recessive non-syndromic sensorineural deafness type DFNB; Nonsyndromic Hearing Loss, Recessive; Autosomal recessive nonsyndromic deafness; Deafness, autosomal recessive. Identifiers: Orphanet 90635, Orphanet 90636, MedGen C1846647, MONDO:0019588, OMIM 607197.
Hearing impairment. Also called: Impaired Hearing. Identifiers: MedGen C1384666, MONDO:0005365, HP:0000365.
Ear malformation. Also called: CUP EAR; Abnormality of the ear. Identifiers: MedGen C0266589, MONDO:0007500, OMIM 128600, HP:0000598.

Allele frequency attached by ClinVar (database versions not stated): gnomAD 0.00017 and 0.00026; 1000 Genomes Project 30x 0.00062; TOPMed 0.00018; gnomAD exomes 0.00091.

Submissions 1 to 7 of 49:

OLLIN Analises Genomicas, OLLIN
Classification: Pathogenic for Autosomal recessive nonsyndromic hearing loss 1A. Last evaluated: 2026-08-06. Review status: criteria provided, single submitter. Criteria: ACMG Guidelines 2015 PMID 25741868. Collection method: clinical testing. Allele origin: germline.
Comment: This variant, located at the canonical splicing site (splice donor), has been reported in ClinVar (accession VCV000017029.124), in gnomAD with an allele frequency of 0.028%, and in the scientific literature, in compound heterozygosity, in individuals with GJB2 related disorders (PMID: 11935342, 10218527, 21776002, 24840842, 24959830, 27481527, 27843504, 14985372, 16650079). This variant is predicted to disrupt a canonical splice site, potentially leading to exon skipping, mRNA degradation via nonsense-mediated decay (NMD), or production of a truncated protein. Functional studies suggest that this variant may affect protein function (PMID: 11935342). According to the currently available evidence, this variant has been classified as pathogenic (PVS1_S, PS3_P, PS4, PM3_VS).

Genetics Laboratory, Great Ormond Street Hospital NHS Foundation Trust, North Thames Genomic Laboratory Hub
Classification: Pathogenic for Monogenic hearing loss. Last evaluated: 2026-08-04. Review status: criteria provided, single submitter. Criteria: ACGS Best Practice Guidelines for Variant Classification in Rare Disease 2024 v1.2. Collection method: clinical testing. Allele origin: germline. Affected: yes.
Comment: PM2_moderate, PVS1_very-strong, PM3_very-strong

Clinical Genetics Laboratory, Skane University Hospital Lund
Classification: Pathogenic for Autosomal recessive nonsyndromic hearing loss 1A. Last evaluated: 2026-06-18. Review status: criteria provided, single submitter. Criteria: ACMG Guidelines, 2015. Collection method: clinical testing. Allele origin: germline. Affected: yes.
Comment: PVS1, PM2_Supporting and PM3_Very strong

PreventionGenetics, part of Exact Sciences
Classification: Pathogenic for GJB2-related condition. Last evaluated: 2026-06-10. Review status: criteria provided, single submitter. Criteria: ACMG Guidelines, 2015. Collection method: clinical testing. Allele origin: germline.
Comment: The GJB2 c.-23+1G>A variant is located in the 5' untranslated region. This variant is also described as c.-3170G>A or IVS1+1G>A and has been reported to be causative for autosomal recessive nonsyndromic hearing loss (Denoyelle et al. 1999. PubMed ID: 10218527; Barashkov et al. 2011. PubMed ID: 21776002; Barashkov et al. 2014. PubMed ID: 24959830). This variant is reported in 0.032% of alleles in individuals of European (Non-Finnish) descent in gnomAD and is listed as pathogenic in ClinVar by multiple laboratories (Variation ID: 17029). This variant is interpreted as pathogenic.

Victorian Clinical Genetics Services, Murdoch Childrens Research Institute
Classification: Pathogenic for Autosomal recessive nonsyndromic hearing loss 1A. Last evaluated: 2026-06-03. Review status: criteria provided, single submitter. Criteria: ACMG Guidelines, 2015. Collection method: clinical testing. Allele origin: germline. Affected: yes.
Comment: This variant is classified as Pathogenic. Evidence in support of pathogenic classification: Canonical splice site variant without proven consequence on splicing. RNA RT-PCR performed on an affected individual's lymphocytes who is compound heterozygous for this variant and c.35delG showed the deletion variant was present, however, the splicing effect of c.-23+1G>A was deemed to be inconclusive (PMID: 11935342); Variant is present in gnomAD (v3) <0.01 for a recessive condition (34 heterozygotes, 0 homozygotes); This variant has very strong previous evidence of pathogenicity in unrelated individuals. This variant is a well-reported pathogenic variant and has been postulated to have a founder effect in deaf individuals from South Siberian populations (ClinVar, Deafness Variation database, PMID: 37239361, PMID: 32708339). Additional information: This variant is heterozygous; This gene is associated with both recessive and dominant disease. The autosomal dominant diseases are commonly associated with pathogenic missense variants. The autosomal recessive disease is associated with biallelic loss of function variants and includes missense and protein truncating variants (NIH Genetics Home Reference, PMID: 12792423); An alternative nucleotide change at the same canonical splice site is present in gnomAD (v3) at a frequency of 0.000006 (1 heterozygote, 0 homozygote); Loss of function is a known mechanism of disease in this gene and is associated with both deafness and skin conditions (OMIM). Dominant negative is also a suggested mechanism (PMID: 28428247); The condition associated with this gene has incomplete penetrance (PMID: 31160754); Variants in this gene are known to have variable expressivity. Severity can range from mild to profound with intrafamilial variability also commonly seen. Commonly, truncating variants are associated to a more severe hearing loss (PMID: 20301449); Inheritance information for this variant is not currently available in this individual.

CeGaT Center for Human Genetics Tuebingen
Classification: Pathogenic. Last evaluated: 2026-06-01. Review status: criteria provided, single submitter. Criteria: CeGaT Center For Human Genetics Tuebingen Variant Classification Criteria Version 2. Collection method: clinical testing. Allele origin: germline. Affected: yes. Observed: 4 variant alleles.
Comment: GJB2: PM3:Very Strong, PM2, PS3:Supporting

Labcorp Genetics (formerly Invitae), Labcorp
Classification: Pathogenic. Last evaluated: 2026-01-20. Review status: criteria provided, single submitter. Criteria: Invitae Variant Classification Sherloc (09022015). Collection method: clinical testing. Allele origin: germline.
Comment: This sequence change falls in intron 1 of the GJB2 gene. It does not directly change the encoded amino acid sequence of the GJB2 protein. It affects a nucleotide within the consensus splice site. This variant is present in population databases (rs80338940, gnomAD 0.03%). This variant has been observed in individual(s) with deafness (PMID: 10218527, 11935342, 21776002, 24840842, 24959830, 27481527, 27843504). In at least one individual the data is consistent with being in trans (on the opposite chromosome) from a pathogenic variant. It is commonly reported in individuals of Yakut ancestry (PMID: 21776002). ClinVar contains an entry for this variant (Variation ID: 17029). Studies have shown that this variant alters GJB2 gene expression (PMID: 11935342). Variants that disrupt the consensus splice site are a relatively common cause of aberrant splicing (PMID: 17576681, 9536098). Algorithms developed to predict the effect of sequence changes on RNA splicing suggest that this variant may disrupt the consensus splice site. For these reasons, this variant has been classified as Pathogenic.